The following is an entry in ClinVar:

NM_001378030.1(CCDC78):c.61G>A (p.Val21Ile)

Gene: CCDC78 (coiled-coil domain containing 78; minus strand). Cytogenetic location: 16p13.3.
Variant type: single nucleotide variant.
Coding change: c.61G>A on transcript NM_001378030.1 (MANE Select); coding-DNA position 61, G replaced by A.
Protein change: p.Val21Ile; replaces valine 21 with isoleucine.
Molecular consequence: missense variant. On other transcripts: non-coding transcript variant (5), 5 prime UTR variant (1).
Genome position (GRCh38, 1-based): chr16:726,085, C>T on the plus strand (G>A on the coding strand, the complement: CCDC78 is on the minus strand). VCF-style: chr16-726085-C-T. GRCh37 (hg19) VCF-style: chr16-776085-C-T.
Other names: c.61G>A, p.Val21Ile (NM_001031737.3, NM_001378031.1); c.-225G>A (NM_001378033.1); c.61G>A (NM_001031737.2); short protein forms V21I.
Identifiers: ClinVar variation 1011769 (VCV001011769.9), dbSNP rs757617074, ClinGen allele CA7789749.

ClinVar aggregate classification (germline): Uncertain significance. Review status: criteria provided, multiple submitters, no conflicts (2 of 4 stars). 2 submissions from 2 submitters: Uncertain significance (2). Last evaluated 2025-06-03.

Conditions:
Inborn genetic diseases. Identifiers: MedGen C0950123, MeSH D030342.
Congenital myopathy with internal nuclei and atypical cores. Also called: Myopathy, centronuclear, 4. Identifiers: Orphanet 319160, MedGen C4707232, MONDO:0013890, OMIM 614807.

Allele frequency attached by ClinVar (database versions not stated): gnomAD exomes below 0.00001 and 0.00001; gnomAD 0.00001 and 0.00002; TOPMed 0.00002; ExAC 0.00005.
gnomAD v4.1: 6 of 1,548,914 alleles (0.00039%); highest among the groups gnomAD compares: African/African-American, 0.0055%; no homozygotes.

Submissions (2):

Ambry Genetics
Classification: Uncertain significance for Inborn genetic diseases. Last evaluated: 2025-06-03. Review status: criteria provided, single submitter. Criteria: Ambry Variant Classification Scheme 2023. Collection method: clinical testing. Allele origin: germline.

Labcorp Genetics (formerly Invitae), Labcorp
Classification: Uncertain significance for Congenital myopathy with internal nuclei and atypical cores. Last evaluated: 2022-02-05. Review status: criteria provided, single submitter. Criteria: Invitae Variant Classification Sherloc (09022015). Collection method: clinical testing. Allele origin: germline.
Comment: In summary, the available evidence is currently insufficient to determine the role of this variant in disease. Therefore, it has been classified as a Variant of Uncertain Significance. Algorithms developed to predict the effect of missense changes on protein structure and function output the following: SIFT: "Tolerated"; PolyPhen-2: "Benign"; Align-GVGD: "Class C0". The isoleucine amino acid residue is found in multiple mammalian species, which suggests that this missense change does not adversely affect protein function. ClinVar contains an entry for this variant (Variation ID: 1011769). This variant has not been reported in the literature in individuals affected with CCDC78-related conditions. The frequency data for this variant in the population databases is considered unreliable, as metrics indicate poor data quality at this position in the gnomAD database. This sequence change replaces valine, which is neutral and non-polar, with isoleucine, which is neutral and non-polar, at codon 21 of the CCDC78 protein (p.Val21Ile).